The following is an entry in ClinVar:

NM_006767.4(LZTR1):c.2407-9G>A

Gene: LZTR1 (leucine zipper like post translational regulator 1; plus strand). Cytogenetic location: 22q11.21.
Variant type: single nucleotide variant.
Coding change: c.2407-9G>A on transcript NM_006767.4 (MANE Select); 9 bases into the intron before coding-DNA position 2407, G replaced by A.
Molecular consequence: intron variant.
Genome position (GRCh38, 1-based): chr22:20,997,223, G>A. VCF-style: chr22-20997223-G-A. GRCh37 (hg19) VCF-style: chr22-21351512-G-A.
Other names: c.2407-9G>A (NM_006767.3).
Identifiers: ClinVar variation 2911263 (VCV002911263.4), dbSNP rs779317951, ClinGen allele CA10119451.

ClinVar aggregate classification (germline): Likely benign. Review status: criteria provided, single submitter (1 of 4 stars). 2 submissions from 2 submitters: Likely benign (1). 1 of the submissions does not count toward it. Last evaluated 2025-10-12.

Conditions:
LZTR1-related disorder. Also called: LZTR1-related disorders; LZTR1-related condition.

Allele frequency attached by ClinVar (database versions not stated): gnomAD exomes 0.00001; ExAC 0.00001.
gnomAD v4.1: 15 of 1,590,250 alleles (0.00094%); highest among the groups gnomAD compares: Non-Finnish European, 0.0012%; no homozygotes.

Submissions (2):

Labcorp Genetics (formerly Invitae), Labcorp
Classification: Likely benign. Last evaluated: 2025-10-12. Review status: criteria provided, single submitter. Criteria: Invitae Variant Classification Sherloc (09022015). Collection method: clinical testing. Allele origin: germline.

PreventionGenetics, part of Exact Sciences
Classification: Likely benign for LZTR1-related condition. Last evaluated: 2024-08-19. Review status: no assertion criteria provided. Collection method: clinical testing. Allele origin: germline. Not counted in ClinVar's aggregate classification.
Comment: This variant is classified as likely benign based on ACMG/AMP sequence variant interpretation guidelines (Richards et al. 2015 PMID: 25741868, with internal and published modifications).